The following is an entry in ClinVar:

ClinVar aggregate classification (germline): Uncertain significance (1 of 4 stars; one submission).

Conditions:
Myofibrillar myopathy 4. Also called: Zaspopathy (type). Identifiers: Orphanet 98912, MedGen C4721886, MONDO:0012277, OMIM 609452.

Submission:

Labcorp Genetics (formerly Invitae), Labcorp
Classification: Uncertain significance for Myofibrillar myopathy 4. Last evaluated: 2019-03-15. Review status: criteria provided, single submitter. Criteria: Invitae Variant Classification Sherloc (09022015). Collection method: clinical testing. Allele origin: germline.
Comment: In summary, the available evidence is currently insufficient to determine the role of this variant in disease. Therefore, it has been classified as a Variant of Uncertain Significance. Algorithms developed to predict the effect of missense changes on protein structure and function are either unavailable or do not agree on the potential impact of this missense change (SIFT: "Tolerated"; PolyPhen-2: "Possibly Damaging"; Align-GVGD: "Class C0"). This variant has not been reported in the literature in individuals with LDB3-related conditions. This variant is not present in population databases (ExAC no frequency). This sequence change replaces alanine with serine at codon 171 of the LDB3 protein (p.Ala171Ser). The alanine residue is weakly conserved and there is a moderate physicochemical difference between alanine and serine.

NM_001368067.1(LDB3):c.511G>T (p.Ala171Ser)

Genes: LDB3 (LIM domain binding 3; plus strand), LOC110121486 (VISTA enhancer hs2143; plus strand). Cytogenetic location: 10q23.2.
Variant type: single nucleotide variant.
Coding change: c.511G>T on transcript NM_001368067.1 (MANE Plus Clinical); coding-DNA position 511, G replaced by T.
Protein change: p.Ala171Ser; replaces alanine 171 with serine.
Molecular consequence: missense variant. On other transcripts: intron variant (5).
Genome position (GRCh38, 1-based): chr10:86,687,235, G>T. VCF-style: chr10-86687235-G-T. GRCh37 (hg19) VCF-style: chr10-88446992-G-T.
Other names: c.511G>T, p.Ala171Ser (NM_001080114.2, NM_001080116.1, NM_001368066.1 and 1 more transcripts); c.856G>T, p.Ala286Ser (NM_001171610.2, NM_001171611.2); c.690-4661G>T (NM_001368064.1, NM_001368063.1, NM_007078.3 and 2 more transcripts); short protein forms A286S, A171S.
Identifiers: ClinVar variation 856952 (VCV000856952.10), dbSNP rs373632943, ClinGen allele CA377441881.